The following is an entry in ClinVar:

NM_024996.7(GFM1):c.56C>T (p.Ala19Val)

Gene: GFM1 (G elongation factor mitochondrial 1; plus strand). Cytogenetic location: 3q25.32.
Variant type: single nucleotide variant.
Coding change: c.56C>T on transcript NM_024996.7 (MANE Select); coding-DNA position 56, C replaced by T.
Protein change: p.Ala19Val; replaces alanine 19 with valine.
Molecular consequence: missense variant. On other transcripts: 5 prime UTR variant (4), non-coding transcript variant (4).
Genome position (GRCh38, 1-based): chr3:158,644,690, C>T. VCF-style: chr3-158644690-C-T. GRCh37 (hg19) VCF-style: chr3-158362479-C-T.
Other names: c.56C>T (NM_001308164.1); c.56C>T, p.Ala19Val (NM_001308164.2, NM_001308166.2, NM_001374355.1 and 2 more transcripts); c.-336C>T (NM_001374357.1); c.-174C>T (NM_001374359.1, NM_001374360.1, NM_001374361.1); short protein forms A19V.
Identifiers: ClinVar variation 343920 (VCV000343920.25), dbSNP rs567086019, ClinGen allele CA2682193.

ClinVar aggregate classification (germline): Conflicting classifications of pathogenicity. Review status: criteria provided, conflicting classifications (1 of 4 stars). 7 submissions from 7 submitters: Uncertain significance (1); Benign (1); Likely benign (3). 2 of the submissions do not count toward it. Last evaluated 2026-07-01.

Conditions:
GFM1-related disorder. Also called: GFM1-related condition.
Hepatoencephalopathy due to combined oxidative phosphorylation defect type 1. Also called: HEPATOENCEPHALOPATHY, EARLY FATAL PROGRESSIVE. Identifiers: Orphanet 137681, MedGen C1836797, MONDO:0012191, OMIM 609060.

Allele frequency attached by ClinVar (database versions not stated): gnomAD below 0.00001 and 0.00009; TOPMed 0.00002; gnomAD exomes 0.00016 and 0.00042; 1000 Genomes Project 30x 0.00031; 1000 Genomes Project 0.00040; ExAC 0.00126.

Submissions (7):

CeGaT Center for Human Genetics Tuebingen
Classification: Likely benign. Last evaluated: 2026-07-01. Review status: criteria provided, single submitter. Criteria: CeGaT Center For Human Genetics Tuebingen Variant Classification Criteria Version 2. Collection method: clinical testing. Allele origin: germline. Affected: yes. Observed: 1 variant allele.
Comment: GFM1: BS2

Labcorp Genetics (formerly Invitae), Labcorp
Classification: Benign. Last evaluated: 2026-01-19. Review status: criteria provided, single submitter. Criteria: Invitae Variant Classification Sherloc (09022015). Collection method: clinical testing. Allele origin: germline.

Blueprint Genetics
Classification: Likely benign. Last evaluated: 2024-04-24. Review status: criteria provided, single submitter. Criteria: ACMG Guidelines, 2015. Collection method: clinical testing. Allele origin: germline.

Revvity Omics, Revvity
Classification: Likely benign for Hepatoencephalopathy due to combined oxidative phosphorylation defect type 1. Last evaluated: 2023-11-01. Review status: criteria provided, single submitter. Criteria: ACMG Guidelines, 2015. Collection method: clinical testing. Allele origin: germline.

Illumina Laboratory Services, Illumina
Classification: Uncertain significance for Hepatoencephalopathy due to combined oxidative phosphorylation defect type 1. Last evaluated: 2018-01-13. Review status: criteria provided, single submitter. Criteria: ICSL Variant Classification Criteria 13 December 2019. Collection method: clinical testing. Allele origin: germline.

PreventionGenetics, part of Exact Sciences
Classification: Likely benign for GFM1-related condition. Last evaluated: 2023-01-04. Review status: no assertion criteria provided. Collection method: clinical testing. Allele origin: germline. Not counted in ClinVar's aggregate classification.
Comment: This variant is classified as likely benign based on ACMG/AMP sequence variant interpretation guidelines (Richards et al. 2015 PMID: 25741868, with internal and published modifications).

Natera, Inc.
Classification: Likely benign for Combined oxidative phosphorylation deficiency 1. Last evaluated: 2019-10-28. Review status: no assertion criteria provided. Collection method: clinical testing. Allele origin: germline. Not counted in ClinVar's aggregate classification.